The following is an entry in ClinVar:

NM_001282225.2(ADA2):c.1334T>C (p.Met445Thr)

Gene: ADA2 (adenosine deaminase 2; minus strand). Cytogenetic location: 22q11.1.
Variant type: single nucleotide variant.
Coding change: c.1334T>C on transcript NM_001282225.2 (MANE Select); coding-DNA position 1334, T replaced by C.
Protein change: p.Met445Thr; replaces methionine 445 with threonine.
Molecular consequence: missense variant.
Genome position (GRCh38, 1-based): chr22:17,181,928, A>G on the plus strand (T>C on the coding strand, the complement: ADA2 is on the minus strand). VCF-style: chr22-17181928-A-G. GRCh37 (hg19) VCF-style: chr22-17662818-A-G.
Other names: c.1334T>C, p.Met445Thr (NM_001282226.2); c.1208T>C, p.Met403Thr (NM_001282227.2, NM_001282228.2); c.974T>C, p.Met325Thr (NM_001282229.2); c.611T>C, p.Met204Thr (NM_177405.3); short protein forms M204T, M403T, M325T, M445T.
Identifiers: ClinVar variation 1471435 (VCV001471435.6), dbSNP rs776544525, ClinGen allele CA10087894.

ClinVar aggregate classification (germline): Uncertain significance (1 of 4 stars; one submission).

Conditions:
Deficiency of adenosine deaminase 2. Also called: Polyarteritis nodosa, childhoood-onset; VASCULITIS, AUTOINFLAMMATION, IMMUNODEFICIENCY, AND HEMATOLOGIC DEFECTS SYNDROME; Adenosine Deaminase 2 Deficiency. Identifiers: Orphanet 404553, MedGen C3887654, MONDO:0014306, OMIM 615688, MONDO:0100317.

Allele frequency attached by ClinVar (database versions not stated): ExAC 0.00002; gnomAD exomes 0.00002 and 0.00003.

Submission:

Labcorp Genetics (formerly Invitae), Labcorp
Classification: Uncertain significance for Deficiency of adenosine deaminase 2. Last evaluated: 2021-03-15. Review status: criteria provided, single submitter. Criteria: Invitae Variant Classification Sherloc (09022015). Collection method: clinical testing. Allele origin: germline.
Comment: In summary, the available evidence is currently insufficient to determine the role of this variant in disease. Therefore, it has been classified as a Variant of Uncertain Significance. Algorithms developed to predict the effect of missense changes on protein structure and function output the following: SIFT: "Tolerated"; PolyPhen-2: "Benign"; Align-GVGD: "Class C0". The threonine amino acid residue is found in multiple mammalian species, suggesting that this missense change does not adversely affect protein function. These predictions have not been confirmed by published functional studies and their clinical significance is uncertain. This variant has been observed in individual(s) with deficiency of adenosine deaminase 2 (PMID: 28750028). This variant is also known as Met403Thr in the literature. This variant is present in population databases (rs776544525, ExAC 0.02%). This sequence change replaces methionine with threonine at codon 445 of the ADA2 protein (p.Met445Thr). The methionine residue is weakly conserved and there is a moderate physicochemical difference between methionine and threonine.

Literature cited by the submitters: PubMed 28750028.